The following is an entry in ClinVar:

ClinVar aggregate classification (germline): Likely benign. Review status: criteria provided, multiple submitters, no conflicts (2 of 4 stars). 3 submissions from 3 submitters: Likely benign (3). Last evaluated 2026-01-19.

Conditions:
Joubert syndrome 25 (JBTS25). Identifiers: Orphanet 475, MedGen C4084842, MONDO:0014770, OMIM 616781.

Allele frequency attached by ClinVar (database versions not stated): gnomAD exomes 0.00022; gnomAD 0.00023; TOPMed 0.00034; ExAC 0.00053.
gnomAD v4.1: 364 of 1,592,592 alleles (0.023%); highest among the groups gnomAD compares: Middle Eastern, 0.76%; no homozygotes.

Submissions (3):

Labcorp Genetics (formerly Invitae), Labcorp
Classification: Likely benign for Joubert syndrome 25. Last evaluated: 2026-01-19. Review status: criteria provided, single submitter. Criteria: Invitae Variant Classification Sherloc (09022015). Collection method: clinical testing. Allele origin: germline.

Blueprint Genetics
Classification: Likely benign. Last evaluated: 2024-10-30. Review status: criteria provided, single submitter. Criteria: ACMG Guidelines, 2015. Collection method: clinical testing. Allele origin: germline.

CeGaT Center for Human Genetics Tuebingen
Classification: Likely benign. Last evaluated: 2024-10-01. Review status: criteria provided, single submitter. Criteria: CeGaT Center For Human Genetics Tuebingen Variant Classification Criteria Version 2. Collection method: clinical testing. Allele origin: germline. Affected: yes. Observed: 2 variant alleles.
Comment: CEP104: BP4, BP7

NM_014704.4(CEP104):c.1473C>T (p.Asp491=)

Gene: CEP104 (centrosomal protein 104; minus strand). Cytogenetic location: 1p36.32.
Variant type: single nucleotide variant.
Coding change: c.1473C>T on transcript NM_014704.4 (MANE Select); coding-DNA position 1473, C replaced by T.
Protein change: p.Asp491=; no amino-acid change (aspartic acid 491 retained).
Molecular consequence: synonymous variant.
Genome position (GRCh38, 1-based): chr1:3,834,937, G>A on the plus strand (C>T on the coding strand, the complement: CEP104 is on the minus strand). VCF-style: chr1-3834937-G-A. GRCh37 (hg19) VCF-style: chr1-3751501-G-A.
Identifiers: ClinVar variation 1966020 (VCV001966020.30), dbSNP rs748424047, ClinGen allele CA551598.